The following is an entry in ClinVar:

NM_018238.4(AGK):c.343A>C (p.Asn115His)

Gene: AGK (acylglycerol kinase; plus strand). Cytogenetic location: 7q34.
Variant type: single nucleotide variant.
Coding change: c.343A>C on transcript NM_018238.4 (MANE Select); coding-DNA position 343, A replaced by C.
Protein change: p.Asn115His; replaces asparagine 115 with histidine.
Molecular consequence: missense variant.
Genome position (GRCh38, 1-based): chr7:141,611,240, A>C. VCF-style: chr7-141611240-A-C. GRCh37 (hg19) VCF-style: chr7-141311040-A-C.
Other names: c.343A>C, p.Asn115His (NM_001364948.3); c.343A>C (NM_018238.3); short protein forms N115H.
Identifiers: ClinVar variation 2072573 (VCV002072573.4), dbSNP rs957496582, ClinGen allele CA168067645.

ClinVar aggregate classification (germline): Conflicting classifications of pathogenicity. Review status: criteria provided, conflicting classifications (1 of 4 stars). 3 submissions from 3 submitters: Uncertain significance (2); Likely benign (1). Last evaluated 2025-03-24.

Conditions:
Cataract 38. Also called: Cataract, autosomal recessive congenital 5; Cataract 38, autosomal recessive. Identifiers: Orphanet 91492, MedGen C3553494, MONDO:0013859, OMIM 614691.
Sengers syndrome. Also called: MITOCHONDRIAL DNA DEPLETION SYNDROME 10 (CARDIOMYOPATHIC TYPE); Cardiomyopathy and cataract. Identifiers: Orphanet 1369, MedGen C1859317, MONDO:0008922, OMIM 212350.
Inborn genetic diseases. Identifiers: MedGen C0950123, MeSH D030342.

Allele frequency attached by ClinVar (database versions not stated): TOPMed 0.00002; gnomAD 0.00001.
gnomAD v4.1: 21 of 1,613,518 alleles (0.0013%); highest among the groups gnomAD compares: Admixed American, 0.01%; no homozygotes.

Submissions (3):

Ambry Genetics
Classification: Uncertain significance for Inborn genetic diseases. Last evaluated: 2025-03-24. Review status: criteria provided, single submitter. Criteria: Ambry Variant Classification Scheme 2023. Collection method: clinical testing. Allele origin: germline.

Blueprint Genetics
Classification: Likely benign. Last evaluated: 2024-02-28. Review status: criteria provided, single submitter. Criteria: ACMG Guidelines, 2015. Collection method: clinical testing. Allele origin: germline.

Labcorp Genetics (formerly Invitae), Labcorp
Classification: Uncertain significance for Sengers syndrome; Cataract 38. Last evaluated: 2022-06-20. Review status: criteria provided, single submitter. Criteria: Invitae Variant Classification Sherloc (09022015). Collection method: clinical testing. Allele origin: germline.
Comment: In summary, the available evidence is currently insufficient to determine the role of this variant in disease. Therefore, it has been classified as a Variant of Uncertain Significance. Algorithms developed to predict the effect of missense changes on protein structure and function output the following: SIFT: "Tolerated"; PolyPhen-2: "Benign"; Align-GVGD: "Class C0". The histidine amino acid residue is found in multiple mammalian species, which suggests that this missense change does not adversely affect protein function. This variant has not been reported in the literature in individuals affected with AGK-related conditions. This variant is present in population databases (no rsID available, gnomAD 0.003%). This sequence change replaces asparagine, which is neutral and polar, with histidine, which is basic and polar, at codon 115 of the AGK protein (p.Asn115His).